The following is an entry in ClinVar:

ClinVar aggregate classification (germline): Uncertain significance (1 of 4 stars; one submission).

Conditions:
Dilated cardiomyopathy 1O (CMD1O). Also called: CARDIOMYOPATHY, DILATED, WITH VENTRICULAR TACHYCARDIA. Identifiers: Orphanet 154, MedGen C1837839, MONDO:0012062, OMIM 608569.

Submission:

Labcorp Genetics (formerly Invitae), Labcorp
Classification: Uncertain significance for Dilated cardiomyopathy 1O. Last evaluated: 2024-03-06. Review status: criteria provided, single submitter. Criteria: Invitae Variant Classification Sherloc (09022015). Collection method: clinical testing. Allele origin: germline.
Comment: This sequence change falls in intron 21 of the ABCC9 gene. It does not directly change the encoded amino acid sequence of the ABCC9 protein. It affects a nucleotide within the consensus splice site. This variant is not present in population databases (gnomAD no frequency). This variant has not been reported in the literature in individuals affected with ABCC9-related conditions. Variants that disrupt the consensus splice site are a relatively common cause of aberrant splicing (PMID: 17576681, 9536098). Algorithms developed to predict the effect of sequence changes on RNA splicing suggest that this variant is not likely to affect RNA splicing. In summary, the available evidence is currently insufficient to determine the role of this variant in disease. Therefore, it has been classified as a Variant of Uncertain Significance.

Literature cited by the submitters: PubMed 17576681; PubMed 9536098.

NM_020297.4(ABCC9):c.2643+4A>C

Gene: ABCC9 (ATP binding cassette subfamily C member 9; minus strand). Cytogenetic location: 12p12.1.
Variant type: single nucleotide variant.
Coding change: c.2643+4A>C on transcript NM_020297.4 (MANE Select); 4 bases into the intron after coding-DNA position 2643, A replaced by C.
Molecular consequence: intron variant.
Genome position (GRCh38, 1-based): chr12:21,852,364, T>G on the plus strand (A>C on the coding strand, the complement: ABCC9 is on the minus strand). VCF-style: chr12-21852364-T-G. GRCh37 (hg19) VCF-style: chr12-22005298-T-G.
Other names: c.1776+4A>C (NM_001377274.1); c.2643+4A>C (NM_005691.4, NM_001377273.1).
Identifiers: ClinVar variation 3644728 (VCV003644728.2).
Genomic context (GRCh38, chr12:21,852,364, plus strand): 5'-TTTACTGTCTCTATTTATATGACTATAATATAAAAATGAGCAAAATTCTCTTCTAAACTC[T>G]TACCCAGTCAGCATGCGTCAGATACTGTAATTTGTGAGTCACAAGAACGAGTGTCCTTTT-3'